The following is an entry in ClinVar:

ClinVar aggregate classification (germline): Uncertain significance. Review status: criteria provided, multiple submitters, no conflicts (2 of 4 stars). 2 submissions from 2 submitters: Uncertain significance (2). Last evaluated 2025-04-23.

Conditions:
FAT2-related disorder. Also called: FAT2-related condition.

gnomAD v4.1: 5 of 1,614,084 alleles (0.00031%); highest among the groups gnomAD compares: African/African-American, 0.004%; no homozygotes.

Submissions (2):

PreventionGenetics, part of Exact Sciences
Classification: Uncertain significance for FAT2-related condition. Last evaluated: 2025-04-23. Review status: criteria provided, single submitter. Criteria: ACMG Guidelines, 2015. Collection method: clinical testing. Allele origin: germline.
Comment: The FAT2 c.6797A>G variant is predicted to result in the amino acid substitution p.Asn2266Ser. To our knowledge, this variant has not been reported in the literature. This variant is reported in 0.0062% of alleles in individuals of African descent in gnomAD. At this time, the clinical significance of this variant is uncertain due to the absence of conclusive functional and genetic evidence.

Ambry Genetics
Classification: Uncertain significance. Last evaluated: 2025-04-12. Review status: criteria provided, single submitter. Criteria: Ambry Variant Classification Scheme 2023. Collection method: clinical testing. Allele origin: germline.

NM_001447.3(FAT2):c.6797A>G (p.Asn2266Ser)

Genes: FAT2 (FAT atypical cadherin 2; minus strand), SLC36A1 (solute carrier family 36 member 1; plus strand). Cytogenetic location: 5q33.1.
Variant type: single nucleotide variant.
Coding change: c.6797A>G on transcript NM_001447.3 (MANE Select); coding-DNA position 6797, A replaced by G.
Protein change: p.Asn2266Ser; replaces asparagine 2266 with serine.
Molecular consequence: missense variant.
Genome position (GRCh38, 1-based): chr5:151,544,330, T>C on the plus strand (A>G on the coding strand, the complement: FAT2 is on the minus strand). VCF-style: chr5-151544330-T-C. GRCh37 (hg19) VCF-style: chr5-150923891-T-C.
Other names: short protein forms N2266S.
Identifiers: ClinVar variation 4023174 (VCV004023174.2).